The following is an entry in ClinVar:

NM_004667.6(HERC2):c.9733G>A (p.Val3245Met)

Gene: HERC2 (HECT and RLD domain containing E3 ubiquitin protein ligase 2; minus strand). Cytogenetic location: 15q13.1.
Variant type: single nucleotide variant.
Coding change: c.9733G>A on transcript NM_004667.6 (MANE Select); coding-DNA position 9733, G replaced by A.
Protein change: p.Val3245Met; replaces valine 3245 with methionine.
Molecular consequence: missense variant.
Genome position (GRCh38, 1-based): chr15:28,175,610, C>T on the plus strand (G>A on the coding strand, the complement: HERC2 is on the minus strand). VCF-style: chr15-28175610-C-T. GRCh37 (hg19) VCF-style: chr15-28420756-C-T.
Other names: short protein forms V3245M.
Identifiers: ClinVar variation 5018327 (VCV005018327.1).
Genomic context (GRCh38, chr15:28,175,610, plus strand): 5'-CGACAGCCACATGCACGATCTTCTTCCCTCTCAGCCCTTCCACCACCTGTGGTTTCCGCA[C>T]GTGCACGTCAGAGCCGTGGCCCAATCTGAAGTAATCCCCCTTTCCCCTGAGAGAAGGCCC-3'
Protein context (NP_004658.3, residues 3235-3255): FRLGHGSDVH[Val3245Met]RKPQVVEGLR

ClinVar aggregate classification (germline): Uncertain significance (1 of 4 stars; one submission).

gnomAD v4.1: 46 of 1,614,042 alleles (0.0028%); highest among the groups gnomAD compares: Non-Finnish European, 0.0034%; no homozygotes.

Submission:

GeneDx
Classification: Uncertain significance. Last evaluated: 2026-04-11. Review status: criteria provided, single submitter. Criteria: GeneDx Variant Classification Process June 2021. Collection method: clinical testing. Allele origin: germline.
Comment: In silico analysis suggests that this missense variant does not alter protein structure/function; Has not been previously published as pathogenic or benign to our knowledge